The following is an entry in ClinVar:

NM_000143.4(FH):c.1392G>T (p.Gly464=)

Gene: FH (fumarate hydratase; minus strand). Cytogenetic location: 1q43.
Variant type: single nucleotide variant.
Coding change: c.1392G>T on transcript NM_000143.4 (MANE Select); coding-DNA position 1392, G replaced by T.
Protein change: p.Gly464=; no amino-acid change (glycine 464 retained).
Molecular consequence: synonymous variant.
Genome position (GRCh38, 1-based): chr1:241,497,969, C>A on the plus strand (G>T on the coding strand, the complement: FH is on the minus strand). VCF-style: chr1-241497969-C-A. GRCh37 (hg19) VCF-style: chr1-241661269-C-A.
Identifiers: ClinVar variation 2681939 (VCV002681939.3), dbSNP rs2147911364, ClinGen allele CA424072987.
Genomic context (GRCh38, chr1:241,497,969, plus strand): 5'-TTCCTTTAAGGTTGATCCATTTTTGTGTGCTGTCTTAGCAATCTTTGCTGCCTTGTCATA[C>A]CCTGAAGAAAAAATAAAAAGACGACATATGGGTTAGCAGTGATATTTGGTTTCCTAAAGC-3'
Protein context (NP_000134.2, residues 454-474): MLVTALNPHI[Gly464=]YDKAAKIAKT

ClinVar aggregate classification (germline): Conflicting classifications of pathogenicity. Review status: criteria provided, conflicting classifications (1 of 4 stars). 3 submissions from 3 submitters: Uncertain significance (1); Likely benign (2). Last evaluated 2025-01-30.

Conditions:
Hereditary cancer-predisposing syndrome. Also called: Neoplastic Syndromes, Hereditary; Hereditary neoplastic syndrome; Tumor predisposition; Hereditary Cancer Syndrome. Identifiers: Orphanet 140162, MedGen C0027672, MeSH D009386, MONDO:0015356.

Submissions (3):

Labcorp Genetics (formerly Invitae), Labcorp
Classification: Likely benign. Last evaluated: 2025-01-30. Review status: criteria provided, single submitter. Criteria: Invitae Variant Classification Sherloc (09022015). Collection method: clinical testing. Allele origin: germline.

Ambry Genetics
Classification: Likely benign for Hereditary cancer-predisposing syndrome. Last evaluated: 2023-12-19. Review status: criteria provided, single submitter. Criteria: Ambry Variant Classification Scheme 2023. Collection method: clinical testing. Allele origin: germline.

Quest Diagnostics Nichols Institute San Juan Capistrano
Classification: Uncertain significance. Last evaluated: 2023-06-23. Review status: criteria provided, single submitter. Criteria: Quest Diagnostics criteria. Collection method: clinical testing. Allele origin: unknown.
Comment: To the best of our knowledge, this variant has not been reported in the published literature. It also has not been reported in large, multi-ethnic general populations (Genome Aggregation Database). Analysis of this variant using software algorithms for the prediction of the effect of nucleotide changes on splicing yielded predictions that this variant may affect proper FH mRNA splicing . Based on the available information, we are unable to determine the clinical significance of this variant.